The following is an entry in ClinVar:

ClinVar aggregate classification (germline): Likely pathogenic (1 of 4 stars; one submission).

Conditions:
Oto-palato-digital syndrome, type II (OPD2). Also called: FACIOPALATOOSSEOUS SYNDROME; OPD II SYNDROME; Otopalatodigital Syndrome, Type II; Otopalatodigital Syndrome Type 2 (FLNA-OPD2). Identifiers: Orphanet 669, Orphanet 90652, MedGen C1844696, MONDO:0010571, OMIM 304120.
Heterotopia, periventricular, X-linked dominant (PVNH1). Also called: PERIVENTRICULAR NODULAR HETEROTOPIA 1; X-linked periventricular heterotopia; PERIVENTRICULAR NODULAR HETEROTOPIA 4; HETEROTOPIA, PERIVENTRICULAR, 1. Identifiers: Orphanet 2149, Orphanet 82004, MedGen C1848213, MONDO:0010233, OMIM 300049.
Frontometaphyseal dysplasia (FMD1). Identifiers: Orphanet 1826, MedGen C0265293, MONDO:0015942.
Melnick-Needles syndrome (MNS). Also called: MELNICK-NEEDLES OSTEODYSPLASTY; OSTEODYSPLASTY OF MELNICK AND NEEDLES; Melnick-Needles Syndrome (FLNA-MNS). Identifiers: Orphanet 2484, MedGen C0025237, MONDO:0010650, OMIM 309350.

Allele frequency attached by ClinVar (database versions not stated): gnomAD exomes below 0.00001.
gnomAD v4.1: 1 of 1,207,462 alleles (0.000083%); highest among the groups gnomAD compares: Non-Finnish European, 0.00011%; no homozygotes.

Submission:

Labcorp Genetics (formerly Invitae), Labcorp
Classification: Likely pathogenic for Oto-palato-digital syndrome, type II; Heterotopia, periventricular, X-linked dominant; Frontometaphyseal dysplasia; Melnick-Needles syndrome. Last evaluated: 2023-03-07. Review status: criteria provided, single submitter. Criteria: Invitae Variant Classification Sherloc (09022015). Collection method: clinical testing. Allele origin: germline.
Comment: In summary, the currently available evidence indicates that the variant is pathogenic, but additional data are needed to prove that conclusively. Therefore, this variant has been classified as Likely Pathogenic. Advanced modeling of protein sequence and biophysical properties (such as structural, functional, and spatial information, amino acid conservation, physicochemical variation, residue mobility, and thermodynamic stability) performed at Invitae indicates that this missense variant is not expected to disrupt FLNA protein function. This missense change has been observed in individual(s) with myxomatous valvular dystrophy (Invitae). In at least one individual the variant was observed to be de novo. This variant is not present in population databases (gnomAD no frequency). This sequence change replaces valine, which is neutral and non-polar, with leucine, which is neutral and non-polar, at codon 2636 of the FLNA protein (p.Val2636Leu).

NM_001110556.2(FLNA):c.7930G>C (p.Val2644Leu)

Genes: FLNA (filamin A; minus strand), LOC107988032 (Xq28 proximal FLNA-EMD recombination region; plus strand). Cytogenetic location: Xq28.
Variant type: single nucleotide variant.
Coding change: c.7930G>C on transcript NM_001110556.2 (MANE Select); coding-DNA position 7930, G replaced by C.
Protein change: p.Val2644Leu; replaces valine 2644 with leucine.
Molecular consequence: missense variant.
Genome position (GRCh38, 1-based): chrX:154,348,863, C>G on the plus strand (G>C on the coding strand, the complement: FLNA is on the minus strand). VCF-style: chrX-154348863-C-G. GRCh37 (hg19) VCF-style: chrX-153577231-C-G.
Other names: c.7906G>C, p.Val2636Leu (NM_001456.4); short protein forms V2636L, V2644L.
Identifiers: ClinVar variation 2942370 (VCV002942370.3), dbSNP rs1557175101, ClinGen allele CA415176819.